The following is an entry in ClinVar:

NM_021625.5(TRPV4):c.1473C>A (p.Tyr491Ter)

Gene: TRPV4 (transient receptor potential cation channel subfamily V member 4; minus strand). Cytogenetic location: 12q24.11.
Variant type: single nucleotide variant.
Coding change: c.1473C>A on transcript NM_021625.5 (MANE Select); coding-DNA position 1473, C replaced by A.
Protein change: p.Tyr491Ter; replaces tyrosine 491 with a stop codon.
Molecular consequence: nonsense.
Genome position (GRCh38, 1-based): chr12:109,794,347, G>T on the plus strand (C>A on the coding strand, the complement: TRPV4 is on the minus strand). VCF-style: chr12-109794347-G-T. GRCh37 (hg19) VCF-style: chr12-110232152-G-T.
Other names: c.1332C>A, p.Tyr444Ter (NM_001177428.2); c.1371C>A, p.Tyr457Ter (NM_001177431.2); c.1152C>A, p.Tyr384Ter (NM_001177433.2); c.1293C>A, p.Tyr431Ter (NM_147204.3); short protein forms Y444*, Y457*, Y384*, Y431*, Y491*.
Identifiers: ClinVar variation 2811296 (VCV002811296.3), dbSNP rs1348949729, ClinGen allele CA386652781.

ClinVar aggregate classification (germline): Uncertain significance (1 of 4 stars; one submission).

Conditions:
Charcot-Marie-Tooth disease axonal type 2C (HMSN2C). Also called: CHARCOT-MARIE-TOOTH DISEASE, AXONAL, AUTOSOMAL DOMINANT, TYPE 2C; Charcot-Marie-Tooth Neuropathy Type 2C; Charcot-Marie-Tooth Disease Type 2, TRPV4-Related (CMT2C). Identifiers: Orphanet 99937, MedGen C1853710, MONDO:0011633, OMIM 606071.

Submission:

Labcorp Genetics (formerly Invitae), Labcorp
Classification: Uncertain significance for Charcot-Marie-Tooth disease axonal type 2C. Last evaluated: 2022-11-01. Review status: criteria provided, single submitter. Criteria: Invitae Variant Classification Sherloc (09022015). Collection method: clinical testing. Allele origin: germline.
Comment: This variant is not present in population databases (gnomAD no frequency). This sequence change creates a premature translational stop signal (p.Tyr491*) in the TRPV4 gene. It is expected to result in an absent or disrupted protein product. However, the current clinical and genetic evidence is not sufficient to establish whether loss-of-function variants in TRPV4 cause disease. This variant has not been reported in the literature in individuals affected with TRPV4-related conditions. In summary, the available evidence is currently insufficient to determine the role of this variant in disease. Therefore, it has been classified as a Variant of Uncertain Significance.